The following is an entry in ClinVar:

NM_005422.4(TECTA):c.4392C>A (p.Cys1464Ter)

Genes: TBCEL-TECTA (TBCEL-TECTA readthrough; plus strand), TECTA (tectorin alpha; plus strand). Cytogenetic location: 11q23.3.
Variant type: single nucleotide variant.
Coding change: c.4392C>A on transcript NM_005422.4 (MANE Select); coding-DNA position 4392, C replaced by A.
Protein change: p.Cys1464Ter; replaces cysteine 1464 with a stop codon.
Molecular consequence: nonsense.
Genome position (GRCh38, 1-based): chr11:121,157,927, C>A. VCF-style: chr11-121157927-C-A. GRCh37 (hg19) VCF-style: chr11-121028636-C-A.
Other names: c.5349C>A, p.Cys1783Ter (NM_001378761.1); short protein forms C1464*, C1783*.
Identifiers: ClinVar variation 4694274 (VCV004694274.1).

ClinVar aggregate classification (germline): Pathogenic (1 of 4 stars; one submission).

gnomAD v4.1: 1 of 1,614,054 alleles (0.000062%); highest among the groups gnomAD compares: Non-Finnish European, 0.000085%; no homozygotes.

Submission:

Labcorp Genetics (formerly Invitae), Labcorp
Classification: Pathogenic. Last evaluated: 2025-09-11. Review status: criteria provided, single submitter. Criteria: Invitae Variant Classification Sherloc (09022015). Collection method: clinical testing. Allele origin: germline.
Comment: This sequence change creates a premature translational stop signal (p.Cys1464*) in the TECTA gene. It is expected to result in an absent or disrupted protein product. Loss-of-function variants in TECTA are known to be pathogenic (PMID: 11087000, 12746400, 17431902, 24130743). This variant is not present in population databases (gnomAD no frequency). This variant has not been reported in the literature in individuals affected with TECTA-related conditions. For these reasons, this variant has been classified as Pathogenic.

Literature cited by the submitters: PubMed 11087000; PubMed 12746400; PubMed 17431902; PubMed 24130743.